The following is an entry in ClinVar:

ClinVar aggregate classification (germline): Uncertain significance (1 of 4 stars; one submission).

Submission:

Labcorp Genetics (formerly Invitae), Labcorp
Classification: Uncertain significance. Last evaluated: 2024-01-05. Review status: criteria provided, single submitter. Criteria: Invitae Variant Classification Sherloc (09022015). Collection method: clinical testing. Allele origin: germline.
Comment: This sequence change replaces methionine, which is neutral and non-polar, with threonine, which is neutral and polar, at codon 96 of the UROD protein (p.Met96Thr). This variant is not present in population databases (gnomAD no frequency). This variant has not been reported in the literature in individuals affected with UROD-related conditions. Advanced modeling of protein sequence and biophysical properties (such as structural, functional, and spatial information, amino acid conservation, physicochemical variation, residue mobility, and thermodynamic stability) has been performed at Invitae for this missense variant, however the output from this modeling did not meet the statistical confidence thresholds required to predict the impact of this variant on UROD protein function. In summary, the available evidence is currently insufficient to determine the role of this variant in disease. Therefore, it has been classified as a Variant of Uncertain Significance.

NM_000374.5(UROD):c.287T>C (p.Met96Thr)

Gene: UROD (uroporphyrinogen decarboxylase; plus strand). Cytogenetic location: 1p34.1.
Variant type: single nucleotide variant.
Coding change: c.287T>C on transcript NM_000374.5 (MANE Select); coding-DNA position 287, T replaced by C.
Protein change: p.Met96Thr; replaces methionine 96 with threonine.
Molecular consequence: missense variant. On other transcripts: non-coding transcript variant (3).
Genome position (GRCh38, 1-based): chr1:45,013,604, T>C. VCF-style: chr1-45013604-T-C. GRCh37 (hg19) VCF-style: chr1-45479276-T-C.
Other names: short protein forms M96T.
Identifiers: ClinVar variation 2707693 (VCV002707693.3), dbSNP rs2522917151, ClinGen allele CA340117386.
Genomic context (GRCh38, chr1:45,013,604, plus strand): 5'-TTTCCTCCTGGATTCCATTTTGGGAACCCAGATGTTTTCTCCCCCTCCAGGCACTGGGCA[T>C]GGAGGTGACCATGGTACCTGGCAAAGGACCCAGCTTCCCAGAGCCATTAAGAGAAGAGCA-3'
Protein context (NP_000365.3, residues 86-106): DILVVPQALG[Met96Thr]EVTMVPGKGP